The following is an entry in ClinVar:

ClinVar aggregate classification (germline): Benign. Review status: criteria provided, multiple submitters, no conflicts (2 of 4 stars). 3 submissions from 3 submitters: Benign (3). Last evaluated 2021-07-15.

Conditions:
Episodic pain syndrome, familial, 2 (FEPS2). Identifiers: Orphanet 306577, MedGen C3809893, MONDO:0014246, OMIM 615551.

Allele frequency attached by ClinVar (database versions not stated): TOPMed 0.24401; gnomAD exomes 0.25000 and 0.25370; 1000 Genomes Project 30x 0.25016; gnomAD 0.25086 and 0.25159; 1000 Genomes Project 0.25200; ESP Exome Variant Server 0.25642; ExAC 0.25704.
gnomAD v4.1: 403,348 of 1,591,592 alleles (25%); highest among the groups gnomAD compares: East Asian, 43%; 52,720 homozygotes.

Submissions (3):

Genome-Nilou Lab
Classification: Benign for Episodic pain syndrome, familial, 2. Last evaluated: 2021-07-15. Review status: criteria provided, single submitter. Criteria: ACMG Guidelines, 2015. Collection method: clinical testing. Allele origin: germline. Affected: no.

GeneDx
Classification: Benign. Last evaluated: 2018-06-19. Review status: criteria provided, single submitter. Criteria: GeneDx Variant Classification (06012015). Collection method: clinical testing. Allele origin: germline. Affected: yes.
Comment: This variant is considered likely benign or benign based on one or more of the following criteria: it is a conservative change, it occurs at a poorly conserved position in the protein, it is predicted to be benign by multiple in silico algorithms, and/or has population frequency not consistent with disease.

Breakthrough Genomics
Classification: Benign. Review status: criteria provided, single submitter. Criteria: ACMG Guidelines, 2015. Collection method: not provided. Allele origin: germline. Inheritance: Autosomal dominant inheritance. Affected: yes.

NM_006514.4(SCN10A):c.3805-41G>A

Gene: SCN10A (sodium voltage-gated channel alpha subunit 10; minus strand). Cytogenetic location: 3p22.2.
Variant type: single nucleotide variant.
Coding change: c.3805-41G>A on transcript NM_006514.4 (MANE Select); 41 bases into the intron before coding-DNA position 3805, G replaced by A.
Molecular consequence: intron variant.
Genome position (GRCh38, 1-based): chr3:38,712,486, C>T on the plus strand (G>A on the coding strand, the complement: SCN10A is on the minus strand). VCF-style: chr3-38712486-C-T. GRCh37 (hg19) VCF-style: chr3-38753977-C-T.
Other names: c.3511-41G>A (NM_001293307.2); c.3802-41G>A (NM_001293306.2).
Identifiers: ClinVar variation 669334 (VCV000669334.4), dbSNP rs6781740, ClinGen allele CA2320095.